The following is an entry in ClinVar:

NM_021012.5(KCNJ12):c.353G>A (p.Arg118Gln)

Gene: KCNJ12 (potassium inwardly rectifying channel subfamily J member 12; plus strand). Cytogenetic location: 17p11.2.
Variant type: single nucleotide variant.
Coding change: c.353G>A on transcript NM_021012.5 (MANE Select); coding-DNA position 353, G replaced by A.
Protein change: p.Arg118Gln; replaces arginine 118 with glutamine.
Molecular consequence: missense variant.
Genome position (GRCh38, 1-based): chr17:21,415,695, G>A. VCF-style: chr17-21415695-G-A. GRCh37 (hg19) VCF-style: chr17-21319007-G-A.
Other names: short protein forms R118Q.
Identifiers: ClinVar variation 3060653 (VCV003060653.2), dbSNP rs1657740, ClinGen allele CA8451088.

ClinVar aggregate classification (germline): Benign (0 of 4 stars; one submission).

Conditions:
KCNJ12-related disorder. Also called: KCNJ12-related condition.

Allele frequency attached by ClinVar (database versions not stated): gnomAD 0.00004; 1000 Genomes Project 0.49820; ExAC 0.49937.
gnomAD v4.1: 24 of 1,612,944 alleles (0.0015%); highest among the groups gnomAD compares: Admixed American, 0.005%; no homozygotes.

Submission:

PreventionGenetics, part of Exact Sciences
Classification: Benign for KCNJ12-related condition. Last evaluated: 2019-10-17. Review status: no assertion criteria provided. Collection method: clinical testing. Allele origin: germline.
Comment: This variant is classified as benign based on ACMG/AMP sequence variant interpretation guidelines (Richards et al. 2015 PMID: 25741868, with internal and published modifications).